The following is an entry in ClinVar:

NM_000256.3(MYBPC3):c.2079_2082dup (p.Ala695fs)

Gene: MYBPC3 (myosin binding protein C3; minus strand). Cytogenetic location: 11p11.2.
Variant type: Duplication.
Coding change: c.2079_2082dup on transcript NM_000256.3 (MANE Select); coding-DNA positions 2079 to 2082, 4 bases duplicated (CCCA; older notation c.2079_2082dupCCCA).
Protein change: p.Ala695fs; shifts the reading frame from alanine 695.
Molecular consequence: frameshift variant.
Genome position (GRCh38, 1-based): chr11:47,339,390-47,339,393, TGGG duplicated on the plus strand (CCCA on the coding strand, the reverse complement: MYBPC3 is on the minus strand). VCF-style (leftmost placement, unchanged base first): chr11-47339389-C-CTGGG. GRCh37 (hg19) VCF-style: chr11-47360940-C-CTGGG.
Other names: c.2079_2082dupCCCA (NM_000256.3); short protein forms A695fs.
Identifiers: ClinVar variation 810743 (VCV000810743.1), dbSNP rs1595844714, ClinGen allele CA915948150.

ClinVar aggregate classification (germline): Likely pathogenic (1 of 4 stars; one submission).

Conditions:
Hypertrophic cardiomyopathy 4. Also called: Familial hypertrophic cardiomyopathy 4. Identifiers: MedGen C1861862, MONDO:0007268, OMIM 115197.

Submission:

Agnes Ginges Centre for Molecular Cardiology, Centenary Institute
Classification: Likely pathogenic for Hypertrophic cardiomyopathy 4. Last evaluated: 2018-10-16. Review status: criteria provided, single submitter. Criteria: ACMG Guidelines, 2015. Collection method: research. Allele origin: germline. Inheritance: Autosomal dominant inheritance. Affected: yes.
Comment: The MYBPC3 Ala695Profs*14 has not been previously reported in individuals with HCM. This variant is absent in the Genome Aggregation Database. This duplication of four nucleotides in exon 22 of the MYBPC3 gene is predicted to result in a frameshift and creation of a premature stop codon. We suspect that the mRNA product from such frameshift variants in MYBPC3 are a target for nonsense-mediated decay and cause disease through haploinsufficiency. Loss of function is a known mechanism of disease for MYBPC3, therefore we classify MYBPC3 Ala695Profs*14 as "likely pathogenic".

Literature cited by the submitters: PubMed 28408708.